The following is an entry in ClinVar:

ClinVar aggregate classification (germline): Uncertain significance (1 of 4 stars; one submission).

Submission:

Ambry Genetics
Classification: Uncertain significance. Last evaluated: 2026-04-20. Review status: criteria provided, single submitter. Criteria: Ambry Variant Classification Scheme 2023. Collection method: clinical testing. Allele origin: germline.
Comment: The p.N272S variant (also known as c.815A>G), located in coding exon 8 of the KIF1B gene, results from an A to G substitution at nucleotide position 815. The asparagine at codon 272 is replaced by serine, an amino acid with highly similar properties. This amino acid position is conserved. In addition, the in silico prediction for this alteration is inconclusive. Based on the available evidence, the clinical significance of this variant remains unclear.

NM_001365951.3(KIF1B):c.815A>G (p.Asn272Ser)

Gene: KIF1B (kinesin family member 1B; plus strand). Cytogenetic location: 1p36.22.
Variant type: single nucleotide variant.
Coding change: c.815A>G on transcript NM_001365951.3 (MANE Select); coding-DNA position 815, A replaced by G.
Protein change: p.Asn272Ser; replaces asparagine 272 with serine.
Molecular consequence: missense variant.
Genome position (GRCh38, 1-based): chr1:10,272,257, A>G. VCF-style: chr1-10272257-A-G. GRCh37 (hg19) VCF-style: chr1-10332315-A-G.
Other names: c.815A>G, p.Asn272Ser (NM_001365952.1, NM_001365953.1, NM_015074.3 and 1 more transcripts); short protein forms N272S.
Identifiers: ClinVar variation 4858842 (VCV004858842.1).